The following is an entry in ClinVar:

NM_018052.5(VAC14):c.423+6C>T

Gene: VAC14 (VAC14 component of PIKFYVE complex; minus strand). Cytogenetic location: 16q22.1.
Variant type: single nucleotide variant.
Coding change: c.423+6C>T on transcript NM_018052.5 (MANE Select); 6 bases into the intron after coding-DNA position 423, C replaced by T.
Molecular consequence: intron variant.
Genome position (GRCh38, 1-based): chr16:70,785,696, G>A on the plus strand (C>T on the coding strand, the complement: VAC14 is on the minus strand). VCF-style: chr16-70785696-G-A. GRCh37 (hg19) VCF-style: chr16-70819599-G-A.
Other names: c.-280+6C>T (NM_001351157.2); c.423+6C>T (NM_018052.3).
Identifiers: ClinVar variation 1382542 (VCV001382542.30), dbSNP rs375640224, ClinGen allele CA8148107.

ClinVar aggregate classification (germline): Conflicting classifications of pathogenicity. Review status: criteria provided, conflicting classifications (1 of 4 stars). 5 submissions from 5 submitters: Uncertain significance (3); Likely benign (1). 1 of the submissions does not count toward it. Last evaluated 2024-12-01.

Conditions:
Inborn genetic diseases. Identifiers: MedGen C0950123, MeSH D030342.
VAC14-related disorder. Also called: VAC14-related condition.

Allele frequency attached by ClinVar (database versions not stated): gnomAD exomes 0.00036 and 0.00064; ESP Exome Variant Server 0.00046; gnomAD 0.00046 and 0.00047; ExAC 0.00047; TOPMed 0.00053.
gnomAD v4.1: 989 of 1,551,880 alleles (0.064%); highest among the groups gnomAD compares: Non-Finnish European, 0.076%; 1 homozygote.

Submissions (5):

CeGaT Center for Human Genetics Tuebingen
Classification: Uncertain significance. Last evaluated: 2024-12-01. Review status: criteria provided, single submitter. Criteria: CeGaT Center For Human Genetics Tuebingen Variant Classification Criteria Version 2. Collection method: clinical testing. Allele origin: germline. Affected: yes. Observed: 2 variant alleles.
Comment: VAC14: PM2, BP4

Blueprint Genetics
Classification: Likely benign. Last evaluated: 2024-09-23. Review status: criteria provided, single submitter. Criteria: ACMG Guidelines, 2015. Collection method: clinical testing. Allele origin: germline.

Labcorp Genetics (formerly Invitae), Labcorp
Classification: Uncertain significance. Last evaluated: 2022-07-20. Review status: criteria provided, single submitter. Criteria: Invitae Variant Classification Sherloc (09022015). Collection method: clinical testing. Allele origin: germline.
Comment: This sequence change falls in intron 3 of the VAC14 gene. It does not directly change the encoded amino acid sequence of the VAC14 protein. It affects a nucleotide within the consensus splice site. This variant is present in population databases (rs375640224, gnomAD 0.07%). This variant has not been reported in the literature in individuals affected with VAC14-related conditions. ClinVar contains an entry for this variant (Variation ID: 1382542). Variants that disrupt the consensus splice site are a relatively common cause of aberrant splicing (PMID: 17576681, 9536098). Algorithms developed to predict the effect of sequence changes on RNA splicing suggest that this variant is not likely to affect RNA splicing. In summary, the available evidence is currently insufficient to determine the role of this variant in disease. Therefore, it has been classified as a Variant of Uncertain Significance.

Ambry Genetics
Classification: Uncertain significance for Inborn genetic diseases. Last evaluated: 2022-06-30. Review status: criteria provided, single submitter. Criteria: Ambry Variant Classification Scheme 2023. Collection method: clinical testing. Allele origin: germline.
Comment: The c.423+6C>T intronic alteration consists of a C to T substitution 6 nucleotides after exon 3 of the VAC14 gene. Based on insufficient or conflicting evidence, the clinical significance of this alteration remains unclear.

PreventionGenetics, part of Exact Sciences
Classification: Likely benign for VAC14-related condition. Last evaluated: 2019-08-07. Review status: no assertion criteria provided. Collection method: clinical testing. Allele origin: germline. Not counted in ClinVar's aggregate classification.
Comment: This variant is classified as likely benign based on ACMG/AMP sequence variant interpretation guidelines (Richards et al. 2015 PMID: 25741868, with internal and published modifications).

Literature cited by the submitters: PubMed 17576681 (cited by Labcorp Genetics (formerly Invitae), Labcorp); PubMed 9536098 (cited by Labcorp Genetics (formerly Invitae), Labcorp).